The following is an entry in ClinVar:

NM_001201543.2(FAM161A):c.119del (p.Ala40fs)

Genes: FAM161A (FAM161 centrosomal protein A; minus strand), LOC129933843 (ATAC-STARR-seq lymphoblastoid active region 15839; plus strand). Cytogenetic location: 2p15.
Variant type: Deletion.
Coding change: c.119del on transcript NM_001201543.2 (MANE Select); coding-DNA position 119, one base deleted (C; older notation c.119delC).
Protein change: p.Ala40fs; shifts the reading frame from alanine 40.
Molecular consequence: frameshift variant. On other transcripts: non-coding transcript variant (1).
Genome position (GRCh38, 1-based): chr2:61,853,923, G deleted on the plus strand (C on the coding strand, the reverse complement: FAM161A is on the minus strand). VCF-style (leftmost placement, unchanged base first): chr2-61853922-CG-C. GRCh37 (hg19) VCF-style: chr2-62081057-CG-C.
Other names: c.119del, p.Ala40fs (NM_032180.3); short protein forms A40fs.
Identifiers: ClinVar variation 1425683 (VCV001425683.7), dbSNP rs2105111147, ClinGen allele CA2573135019.

ClinVar aggregate classification (germline): Pathogenic (1 of 4 stars; one submission).

Allele frequency attached by ClinVar (database versions not stated): gnomAD exomes below 0.00001.

Submission:

Labcorp Genetics (formerly Invitae), Labcorp
Classification: Pathogenic. Last evaluated: 2021-04-28. Review status: criteria provided, single submitter. Criteria: Invitae Variant Classification Sherloc (09022015). Collection method: clinical testing. Allele origin: germline.
Comment: For these reasons, this variant has been classified as Pathogenic. This variant has not been reported in the literature in individuals with FAM161A-related conditions. This variant is not present in population databases (ExAC no frequency). This sequence change creates a premature translational stop signal (p.Ala40Glyfs*25) in the FAM161A gene. It is expected to result in an absent or disrupted protein product. Loss-of-function variants in FAM161A are known to be pathogenic (PMID: 20705278, 20705279, 24651477).

Literature cited by the submitters: PubMed 20705278; PubMed 20705279; PubMed 24651477.